The following is an entry in ClinVar:

ClinVar aggregate classification (germline): Likely benign (1 of 4 stars; one submission).

Submission:

CeGaT Center for Human Genetics Tuebingen
Classification: Likely benign. Last evaluated: 2024-09-01. Review status: criteria provided, single submitter. Criteria: CeGaT Center For Human Genetics Tuebingen Variant Classification Criteria Version 2. Collection method: clinical testing. Allele origin: germline. Affected: yes. Observed: 1 variant allele.
Comment: PRAMEF33: PM2:Supporting, BP4, BP7

NC_000001.11:g.12893159C>T

Genes: PRAMEF10 (PRAME family member 10; minus strand), PRAMEF33 (PRAME family member 33; plus strand). Cytogenetic location: 1p36.21.
Variant type: single nucleotide variant.
Molecular consequence: synonymous variant (on NM_001039361.4).
Genome position: GRCh38 VCF-style: chr1-12893159-C-T. GRCh37 (hg19) VCF-style: chr1-12952990-C-T.
Other names: c.1182G>A, p.Leu394= (NM_001039361.4).
Identifiers: ClinVar variation 3388427 (VCV003388427.14).